The following is an entry in ClinVar:

ClinVar aggregate classification (germline): Conflicting classifications of pathogenicity. Review status: criteria provided, conflicting classifications (1 of 4 stars). 2 submissions from 2 submitters: Uncertain significance (1); Likely benign (1). Last evaluated 2025-03-07.

Conditions:
Mitochondrial complex II deficiency, nuclear type 1. Also called: SUCCINATE CoQ REDUCTASE DEFICIENCY. Identifiers: Orphanet 3208, MedGen C5700310, MONDO:0100294, OMIM 252011.
Pheochromocytoma/paraganglioma syndrome 5. Also called: Paragangliomas 5; SDHA-Related Hereditary Paraganglioma-Pheochromocytoma Syndrome. Identifiers: Orphanet 29072, MedGen C3279992, MONDO:0013602, OMIM 614165.

Allele frequency attached by ClinVar (database versions not stated): gnomAD exomes below 0.00001.
gnomAD v4.1: 1 of 1,613,652 alleles (0.000062%); highest among the groups gnomAD compares: Non-Finnish European, 0.000085%; no homozygotes.

Submissions (2):

Myriad Genetics, Inc.
Classification: Likely benign for Pheochromocytoma/paraganglioma syndrome 5. Last evaluated: 2025-03-07. Review status: criteria provided, single submitter. Criteria: Myriad Autosomal Dominant, Autosomal Recessive and X-Linked Classification Criteria (2023). Collection method: clinical testing. Allele origin: unknown.
Comment: This variant is considered likely benign. This variant is intronic and is not expected to impact mRNA splicing.

Labcorp Genetics (formerly Invitae), Labcorp
Classification: Uncertain significance for Pheochromocytoma/paraganglioma syndrome 5; Mitochondrial complex II deficiency, nuclear type 1. Last evaluated: 2023-11-08. Review status: criteria provided, single submitter. Criteria: Invitae Variant Classification Sherloc (09022015). Collection method: clinical testing. Allele origin: germline.
Comment: This sequence change falls in intron 8 of the SDHA gene. It does not directly change the encoded amino acid sequence of the SDHA protein. This variant is not present in population databases (gnomAD no frequency). This variant has not been reported in the literature in individuals affected with SDHA-related conditions. Algorithms developed to predict the effect of sequence changes on RNA splicing suggest that this variant may disrupt the consensus splice site. In summary, the available evidence is currently insufficient to determine the role of this variant in disease. Therefore, it has been classified as a Variant of Uncertain Significance.

NM_004168.4(SDHA):c.1065-11T>C

Gene: SDHA (succinate dehydrogenase complex flavoprotein subunit A; plus strand). Cytogenetic location: 5p15.33.
Variant type: single nucleotide variant.
Coding change: c.1065-11T>C on transcript NM_004168.4 (MANE Select); 11 bases into the intron before coding-DNA position 1065, T replaced by C.
Molecular consequence: intron variant.
Genome position (GRCh38, 1-based): chr5:235,133, T>C. VCF-style: chr5-235133-T-C. GRCh37 (hg19) VCF-style: chr5-235248-T-C.
Other names: c.1065-11T>C (NM_001330758.2); c.921-11T>C (NM_001294332.2).
Identifiers: ClinVar variation 2922897 (VCV002922897.4), dbSNP rs2477361951, ClinGen allele CA2672970226.
Genomic context (GRCh38, chr5:235,133, plus strand): 5'-AAGATGACGTATTCTCAGGTCTCCTGCCGTTGCCGTTCTCTGCCGTATGTGATGGTGTTC[T>C]GTCTTACCAGAGGCTGTGGCCCTGAGAAAGATCACGTCTACCTGCAGCTGCACCACCTAC-3'